The following is an entry in ClinVar:

ClinVar aggregate classification (germline): Conflicting classifications of pathogenicity. Review status: criteria provided, conflicting classifications (1 of 4 stars). 3 submissions from 3 submitters: Pathogenic (1); Uncertain significance (2). Last evaluated 2024-08-09.

Conditions:
Hereditary angioedema type 1 (HAE1). Identifiers: Orphanet 100050, Orphanet 100051, Orphanet 91378, MedGen C2717906, MONDO:0015053, OMIM 106100.

Submissions (3):

DNA-diagnostics Laboratory, Research Centre For Medical Genetics
Classification: Pathogenic for Hereditary angioedema type 1. Last evaluated: 2024-08-09. Review status: criteria provided, single submitter. Criteria: ACMG Guidelines, 2015. Collection method: research. Allele origin: germline. Inheritance: Autosomal dominant inheritance. Affected: yes. Observed: 2 variant alleles.
Comment: The pathogenic or likely pathogenic SERPING1 gene variants are detected in >90% of the HAE1/2 families and in >80% of the total HAE families (e.g., DOI: 10.1016/j.molimm.2008.05.007, 10.1159/2F000138883, 10.1016/j.molimm.2011.07.010). The same variant has previously been reported in 1 HAE1 case (PMID: 25258140). Such in silico algorithms as BayesDel, MutPred, REVEL support a deleterious effect of this variant with Moderate evidence of pathogenicity when choosing at least two identical assessments and using the threshold ranges from ClinGen recommendations (DOI: 10.1016/j.ajhg.2022.10.013). In summary, the c.553G>C variant in SERPING1 meets ACMG/ClinGen SVI guidance criteria to be classified as pathogenic: PP4_Str, PS4_Mod, PP3_Mod, PM2_Sup, PP2, PP1

Labcorp Genetics (formerly Invitae), Labcorp
Classification: Uncertain significance. Last evaluated: 2023-12-17. Review status: criteria provided, single submitter. Criteria: Invitae Variant Classification Sherloc (09022015). Collection method: clinical testing. Allele origin: germline.
Comment: This sequence change replaces alanine, which is neutral and non-polar, with proline, which is neutral and non-polar, at codon 185 of the SERPING1 protein (p.Ala185Pro). This variant is not present in population databases (gnomAD no frequency). This missense change has been observed in individuals with hereditary angioedema (PMID: 25258140; Invitae). An algorithm developed to predict the effect of missense changes on protein structure and function (PolyPhen-2) suggests that this variant is likely to be disruptive. In summary, the available evidence is currently insufficient to determine the role of this variant in disease. Therefore, it has been classified as a Variant of Uncertain Significance.

3billion
Classification: Uncertain significance for Hereditary angioedema type 1. Last evaluated: 2023-11-28. Review status: criteria provided, single submitter. Criteria: ACMG Guidelines, 2015. Collection method: clinical testing. Allele origin: germline. Affected: yes.
Comment: The variant is not observed in the gnomAD v2.1.1 dataset. Predicted Consequence/Location: Missense variant In silico tool predictions suggest damaging effect of the variant on gene or gene product [REVEL: 0.96 (>=0.6, sensitivity 0.68 and specificity 0.92); 3Cnet: 0.67 (>=0.6, sensitivity 0.72 and precision 0.9)]. Same nucleotide change resulting in same amino acid change has been previously reported to be associated with SERPING1 related disorder (PMID: 25258140). However, the evidence of pathogenicity is insufficient at this time. Therefore, this variant is classified as VUS according to the recommendation of ACMG/AMP guideline.

Literature cited by the submitters: PubMed 25258140 (cited by 3 submitters).

NM_000062.3(SERPING1):c.553G>C (p.Ala185Pro)

Gene: SERPING1 (serpin family G member 1; plus strand). Cytogenetic location: 11q12.1.
Variant type: single nucleotide variant.
Coding change: c.553G>C on transcript NM_000062.3 (MANE Select); coding-DNA position 553, G replaced by C.
Protein change: p.Ala185Pro; replaces alanine 185 with proline.
Molecular consequence: missense variant.
Genome position (GRCh38, 1-based): chr11:57,602,037, G>C. VCF-style: chr11-57602037-G-C. GRCh37 (hg19) VCF-style: chr11-57369510-G-C.
Other names: c.553G>C, p.Ala185Pro (NM_001032295.2); short protein forms A185P.
Identifiers: ClinVar variation 2735610 (VCV002735610.5), dbSNP rs1335168882, ClinGen allele CA380696647.